The following is an entry in ClinVar:

NM_004380.3(CREBBP):c.4200G>A (p.Glu1400=)

Gene: CREBBP (CREB binding lysine acetyltransferase; minus strand). Cytogenetic location: 16p13.3.
Variant type: single nucleotide variant.
Coding change: c.4200G>A on transcript NM_004380.3 (MANE Select); coding-DNA position 4200, G replaced by A.
Protein change: p.Glu1400=; no amino-acid change (glutamic acid 1400 retained).
Molecular consequence: synonymous variant.
Genome position (GRCh38, 1-based): chr16:3,739,658, C>T on the plus strand (G>A on the coding strand, the complement: CREBBP is on the minus strand). VCF-style: chr16-3739658-C-T. GRCh37 (hg19) VCF-style: chr16-3789659-C-T.
Other names: c.4086G>A, p.Glu1362= (NM_001079846.1).
Identifiers: ClinVar variation 4986801 (VCV004986801.1).

ClinVar aggregate classification (germline): Likely benign (1 of 4 stars; one submission).

Conditions:
CREBBP-related disorder. Also called: CREBBP-related disorders; CREBBP-related condition.

gnomAD v4.1: 6 of 1,614,082 alleles (0.00037%); highest among the groups gnomAD compares: East Asian, 0.0089%; no homozygotes.

Submission:

PreventionGenetics, part of Exact Sciences
Classification: Likely benign for CREBBP-related condition. Last evaluated: 2024-11-26. Review status: criteria provided, single submitter. Criteria: ACMG Guidelines, 2015. Collection method: clinical testing. Allele origin: germline.
Comment: This variant is classified as likely benign based on ACMG/AMP sequence variant interpretation guidelines (Richards et al. 2015 PMID: 25741868, with internal and published modifications).